The following is an entry in ClinVar:

ClinVar aggregate classification (germline): Pathogenic (1 of 4 stars; one submission).

Conditions:
Fetal anomalies with a likely genetic cause.

gnomAD v4.1: 3 of 1,547,956 alleles (0.00019%); highest among the groups gnomAD compares: South Asian, 0.0012%; no homozygotes.

Submission:

Genetics Laboratory, Great Ormond Street Hospital NHS Foundation Trust, North Thames Genomic Laboratory Hub
Classification: Pathogenic for Fetal anomalies with a likely genetic cause. Last evaluated: 2026-02-19. Review status: criteria provided, single submitter. Criteria: ACGS Best Practice Guidelines for Variant Classification in Rare Disease 2024 v1.2. Collection method: clinical testing. Allele origin: germline. Affected: yes.
Comment: PM2_moderate, PVS1_very-strong, PP4_supporting

NM_001142864.4(PIEZO1):c.6763C>T (p.Gln2255Ter)

Gene: PIEZO1 (piezo type mechanosensitive ion channel component 1 (Er blood group); minus strand). Cytogenetic location: 16q24.3.
Variant type: single nucleotide variant.
Coding change: c.6763C>T on transcript NM_001142864.4 (MANE Select); coding-DNA position 6763, C replaced by T.
Protein change: p.Gln2255Ter; replaces glutamine 2255 with a stop codon.
Molecular consequence: nonsense.
Genome position (GRCh38, 1-based): chr16:88,716,722, G>A on the plus strand (C>T on the coding strand, the complement: PIEZO1 is on the minus strand). VCF-style: chr16-88716722-G-A. GRCh37 (hg19) VCF-style: chr16-88783130-G-A.
Other names: short protein forms Q2255*.
Identifiers: ClinVar variation 4820297 (VCV004820297.1).
Genomic context (GRCh38, chr16:88,716,722, plus strand): 5'-CGGAGCTGCCCTCAATCTGCGCCGTGACGATGTCCTCAGGGCTGTACTGGCTGATGAACT[G>A]CATGGCCAGCTGGGTACAAGTGACACCCTCAGTGACTGCAGCCGCCTCCCCACACCAGCT-3'